The following is an entry in ClinVar:

ClinVar aggregate classification (germline): Likely pathogenic (1 of 4 stars; one submission).

Conditions:
Dilated cardiomyopathy 1G (CMD1G). Identifiers: Orphanet 154, MedGen C1858763, MONDO:0011400, OMIM 604145.
Autosomal recessive limb-girdle muscular dystrophy type 2J (LGMDR10). Also called: Limb-girdle muscular dystrophy, type 2J; MUSCULAR DYSTROPHY, LIMB-GIRDLE, AUTOSOMAL RECESSIVE 10. Identifiers: Orphanet 140922, MedGen C1837342, MONDO:0012127, OMIM 608807.

Submission:

Labcorp Genetics (formerly Invitae), Labcorp
Classification: Likely pathogenic for Dilated cardiomyopathy 1G; Autosomal recessive limb-girdle muscular dystrophy type 2J. Last evaluated: 2023-12-06. Review status: criteria provided, single submitter. Criteria: Invitae Variant Classification Sherloc (09022015). Collection method: clinical testing. Allele origin: germline.
Comment: This sequence change creates a premature translational stop signal (p.Phe33650Serfs*10) in the TTN gene. While this is not anticipated to result in nonsense mediated decay, it is expected to create a truncated TTN protein. This variant is not present in population databases (gnomAD no frequency). This variant has not been reported in the literature in individuals affected with TTN-related conditions. ClinVar contains an entry for this variant (Variation ID: 957234). This variant is located in the M band of TTN (PMID: 25589632). Truncating variants in this region have been previously reported in individuals affected with autosomal recessive myopathy and muscular dystrophy (PMID: 18948003, 23975875, 24395473). Truncating variants in this region have also been identified in individuals affected with autosomal dominant dilated cardiomyopathy and/or cardio-related conditions (PMID: 27869827, 32964742). In summary, the currently available evidence indicates that the variant is pathogenic, but additional data are needed to prove that conclusively. Therefore, this variant has been classified as Likely Pathogenic.

Literature cited by the submitters: PubMed 25589632; PubMed 18948003; PubMed 23975875; PubMed 24395473; PubMed 27869827; PubMed 32964742.

NM_001267550.2(TTN):c.100947del (p.Phe33650fs)

Genes: TTN-AS1 (TTN antisense RNA 1; plus strand), TTN (titin; minus strand). Cytogenetic location: 2q31.2.
Variant type: Deletion.
Coding change: c.100947del on transcript NM_001267550.2 (MANE Select); coding-DNA position 100947, one base deleted (C; older notation c.100947delC).
Protein change: p.Phe33650fs; shifts the reading frame from phenylalanine 33650.
Molecular consequence: frameshift variant.
Genome position (GRCh38, 1-based): chr2:178,535,668, G deleted on the plus strand (C on the coding strand, the reverse complement: TTN is on the minus strand); the first of 2 consecutive G bases (chr2:178,535,668-178,535,669); deleting either gives the same sequence. VCF-style (leftmost placement, unchanged base first): chr2-178535667-AG-A. GRCh37 (hg19) VCF-style: chr2-179400394-AG-A.
Other names: c.96024del, p.Phe32009fs (NM_001256850.1); c.73752del, p.Phe24585fs (NM_003319.4); c.93243del, p.Phe31082fs (NM_133378.4); c.74127del, p.Phe24710fs (NM_133432.3); c.74328del, p.Phe24777fs (NM_133437.4); short protein forms F24710fs, F32009fs, F31082fs, F24585fs, F24777fs, F33650fs.
Identifiers: ClinVar variation 957234 (VCV000957234.10), dbSNP rs1691117338, ClinGen allele CA1139657422.